The following is an entry in ClinVar:

ClinVar aggregate classification (germline): Uncertain significance (1 of 4 stars; one submission).

Conditions:
Immunodeficiency. Identifiers: MedGen C0021051, MONDO:0021094, HP:0002721.

Submission:

Labcorp Genetics (formerly Invitae), Labcorp
Classification: Uncertain significance for Immunodeficiency. Last evaluated: 2024-02-13. Review status: criteria provided, single submitter. Criteria: Invitae Variant Classification Sherloc (09022015). Collection method: clinical testing. Allele origin: germline.
Comment: This sequence change replaces threonine, which is neutral and polar, with isoleucine, which is neutral and non-polar, at codon 1078 of the NFAT5 protein (p.Thr1078Ile). This variant is not present in population databases (gnomAD no frequency). This variant has not been reported in the literature in individuals affected with NFAT5-related conditions. An algorithm developed to predict the effect of missense changes on protein structure and function (PolyPhen-2) suggests that this variant is likely to be tolerated. In summary, the available evidence is currently insufficient to determine the role of this variant in disease. Therefore, it has been classified as a Variant of Uncertain Significance.

NM_138713.4(NFAT5):c.3515C>T (p.Thr1172Ile)

Gene: NFAT5 (nuclear factor of activated T cells 5; plus strand). Cytogenetic location: 16q22.1.
Variant type: single nucleotide variant.
Coding change: c.3515C>T on transcript NM_138713.4 (MANE Select); coding-DNA position 3515, C replaced by T.
Protein change: p.Thr1172Ile; replaces threonine 1172 with isoleucine.
Molecular consequence: missense variant.
Genome position (GRCh38, 1-based): chr16:69,693,340, C>T. VCF-style: chr16-69693340-C-T. GRCh37 (hg19) VCF-style: chr16-69727243-C-T.
Other names: c.3512C>T, p.Thr1171Ile (NM_001113178.3); c.2840C>T, p.Thr947Ile (NM_001367709.1); c.3461C>T, p.Thr1154Ile (NM_006599.4); c.3233C>T, p.Thr1078Ile (NM_138714.4, NM_173214.3, NM_173215.3); short protein forms T1171I, T1154I, T1172I, T1078I, T947I.
Identifiers: ClinVar variation 3640416 (VCV003640416.2).